The following is an entry in ClinVar:

NC_000015.9:g.(?_45390187)_(45393492_?)del

Gene: DUOX2 (dual oxidase 2; minus strand). Cytogenetic location: 15q21.1.
Variant type: Deletion.
Identifiers: ClinVar variation 2425891 (VCV002425891.2).

ClinVar aggregate classification (germline): Uncertain significance (1 of 4 stars; one submission).

Submission:

Labcorp Genetics (formerly Invitae), Labcorp
Classification: Uncertain significance. Last evaluated: 2022-10-19. Review status: criteria provided, single submitter. Criteria: Invitae Variant Classification Sherloc (09022015). Collection method: clinical testing. Allele origin: germline.
Comment: This variant is a gross deletion of the genomic region encompassing exon(s) 22-27 of the DUOX2 gene. This variant would be expected to be in-frame, preserving the integrity of the reading frame. This variant has not been reported in the literature in individuals affected with DUOX2-related conditions. This variant disrupts a region of the DUOX2 protein in which other variant(s) (p.Tyr1150Cys) have been observed in individuals with DUOX2-related conditions (PMID: 21565790). This suggests that this is a clinically significant region of the protein, and that variants that disrupt it are likely to be disease-causing. In summary, the available evidence is currently insufficient to determine the role of this variant in disease. Therefore, it has been classified as a Variant of Uncertain Significance.

Literature cited by the submitters: PubMed 21565790.